The following is an entry in ClinVar:

NM_019892.6(INPP5E):c.1508C>T (p.Ala503Val)

Gene: INPP5E (inositol polyphosphate-5-phosphatase E; minus strand). Cytogenetic location: 9q34.3.
Variant type: single nucleotide variant.
Coding change: c.1508C>T on transcript NM_019892.6 (MANE Select); coding-DNA position 1508, C replaced by T.
Protein change: p.Ala503Val; replaces alanine 503 with valine.
Molecular consequence: missense variant.
Genome position (GRCh38, 1-based): chr9:136,431,865, G>A on the plus strand (C>T on the coding strand, the complement: INPP5E is on the minus strand). VCF-style: chr9-136431865-G-A. GRCh37 (hg19) VCF-style: chr9-139326317-G-A.
Other names: c.1505C>T, p.Ala502Val (NM_001318502.2); c.1508C>T (NM_019892.5); short protein forms A502V, A503V.
Identifiers: ClinVar variation 866270 (VCV000866270.11), dbSNP rs370661476, ClinGen allele CA5336768.

ClinVar aggregate classification (germline): Uncertain significance. Review status: criteria provided, multiple submitters, no conflicts (2 of 4 stars). 5 submissions from 5 submitters: Uncertain significance (5). Last evaluated 2025-09-28.

Conditions:
INPP5E-related disorder. Also called: INPP5E-related condition.
Joubert syndrome 1 (JBTS1). Also called: Cerebellooculorenal syndrome 1; CEREBELLOPARENCHYMAL DISORDER IV. Identifiers: MedGen C4551568, MONDO:0008944, OMIM 213300.
MORM syndrome (MORMS). Identifiers: Orphanet 75858, MedGen C1857802, MONDO:0012423, OMIM 610156.
Joubert syndrome. Also called: Familial aplasia of the vermis; JOUBERT-BOLTSHAUSER SYNDROME. Identifiers: Orphanet 475, MedGen C5979921, MONDO:0018772.
Inborn genetic diseases. Identifiers: MedGen C0950123, MeSH D030342.

Allele frequency attached by ClinVar (database versions not stated): gnomAD below 0.00001 and 0.00004; gnomAD exomes 0.00003; TOPMed 0.00004; ExAC 0.00005; ESP Exome Variant Server 0.00008.

Submissions (5):

PreventionGenetics, part of Exact Sciences
Classification: Uncertain significance for INPP5E-related condition. Last evaluated: 2025-09-28. Review status: criteria provided, single submitter. Criteria: ACMG Guidelines, 2015. Collection method: clinical testing. Allele origin: germline.
Comment: The INPP5E c.1508C>T variant is predicted to result in the amino acid substitution p.Ala503Val. To our knowledge, this variant has not been reported in the literature. This variant is reported in 0.0098% of alleles in individuals of South Asian descent in gnomAD. At this time, the clinical significance of this variant is uncertain due to the absence of conclusive functional and genetic evidence.

Ambry Genetics
Classification: Uncertain significance for Inborn genetic diseases. Last evaluated: 2024-03-25. Review status: criteria provided, single submitter. Criteria: Ambry Variant Classification Scheme 2023. Collection method: clinical testing. Allele origin: germline.

Fulgent Genetics
Classification: Uncertain significance for Joubert syndrome 1; MORM syndrome. Last evaluated: 2024-01-23. Review status: criteria provided, single submitter. Criteria: ACMG Guidelines, 2015. Collection method: clinical testing. Allele origin: germline.

Labcorp Genetics (formerly Invitae), Labcorp
Classification: Uncertain significance for Joubert syndrome. Last evaluated: 2023-08-04. Review status: criteria provided, single submitter. Criteria: Invitae Variant Classification Sherloc (09022015). Collection method: clinical testing. Allele origin: germline.
Comment: This variant has not been reported in the literature in individuals affected with INPP5E-related conditions. In summary, the available evidence is currently insufficient to determine the role of this variant in disease. Therefore, it has been classified as a Variant of Uncertain Significance. Algorithms developed to predict the effect of missense changes on protein structure and function output the following: SIFT: "Not Available"; PolyPhen-2: "Benign"; Align-GVGD: "Not Available". The valine amino acid residue is found in multiple mammalian species, which suggests that this missense change does not adversely affect protein function. ClinVar contains an entry for this variant (Variation ID: 866270). This variant is present in population databases (rs370661476, gnomAD 0.01%). This sequence change replaces alanine, which is neutral and non-polar, with valine, which is neutral and non-polar, at codon 503 of the INPP5E protein (p.Ala503Val).

Blueprint Genetics
Classification: Uncertain significance. Last evaluated: 2023-05-24. Review status: criteria provided, single submitter. Criteria: ACMG Guidelines, 2015. Collection method: clinical testing. Allele origin: germline.